The following is an entry in ClinVar:

ClinVar aggregate classification (germline): Conflicting classifications of pathogenicity. Review status: criteria provided, conflicting classifications (1 of 4 stars). 5 submissions from 5 submitters: Uncertain significance (4); Likely benign (1). Last evaluated 2026-04-21.

Conditions:
VCL-related disorder. Also called: VCL-related condition.
Dilated cardiomyopathy 1W (CMD1W). Identifiers: Orphanet 154, MedGen C1969639, MONDO:0012667, OMIM 611407.
Hypertrophic cardiomyopathy 15. Identifiers: MedGen C2750459, MONDO:0013200, OMIM 613255.

Allele frequency attached by ClinVar (database versions not stated): ExAC 0.00002; TOPMed below 0.00001; gnomAD 0.00001; gnomAD exomes 0.00001.

Submissions (5):

PreventionGenetics, part of Exact Sciences
Classification: Likely benign for VCL-related condition. Last evaluated: 2026-04-21. Review status: criteria provided, single submitter. Criteria: ACMG Guidelines, 2015. Collection method: clinical testing. Allele origin: germline.
Comment: This variant is classified as likely benign based on ACMG/AMP sequence variant interpretation guidelines (Richards et al. 2015 PMID: 25741868, with internal and published modifications).

Labcorp Genetics (formerly Invitae), Labcorp
Classification: Uncertain significance for Dilated cardiomyopathy 1W. Last evaluated: 2025-11-05. Review status: criteria provided, single submitter. Criteria: Invitae Variant Classification Sherloc (09022015). Collection method: clinical testing. Allele origin: germline.
Comment: This sequence change falls in intron 2 of the VCL gene. It does not directly change the encoded amino acid sequence of the VCL protein. It affects a nucleotide within the consensus splice site. This variant is present in population databases (rs752335603, gnomAD 0.01%). This variant has not been reported in the literature in individuals affected with VCL-related conditions. ClinVar contains an entry for this variant (Variation ID: 806509). Variants that disrupt the consensus splice site are a relatively common cause of aberrant splicing (PMID: 17576681, 9536098). Algorithms developed to predict the effect of sequence changes on RNA splicing suggest that this variant may disrupt the consensus splice site. In summary, the available evidence is currently insufficient to determine the role of this variant in disease. Therefore, it has been classified as a Variant of Uncertain Significance.

Genomic Medicine Center of Excellence, King Faisal Specialist Hospital and Research Centre
Classification: Uncertain significance for Hypertrophic cardiomyopathy 15. Last evaluated: 2024-12-18. Review status: criteria provided, single submitter. Criteria: ACMG Guidelines, 2015. Collection method: clinical testing. Allele origin: germline.

Fulgent Genetics
Classification: Uncertain significance for Dilated cardiomyopathy 1W; Hypertrophic cardiomyopathy 15. Last evaluated: 2021-09-08. Review status: criteria provided, single submitter. Criteria: ACMG Guidelines, 2015. Collection method: clinical testing. Allele origin: unknown.

GeneDx
Classification: Uncertain significance. Last evaluated: 2019-08-09. Review status: criteria provided, single submitter. Criteria: GeneDx Variant Classification Process June 2021. Collection method: clinical testing. Allele origin: germline. Affected: yes.
Comment: Has not been previously published as pathogenic or benign to our knowledge; Not observed at a significant frequency in large population cohorts (Lek et al., 2016); In silico analysis, which includes splice predictors and evolutionary conservation, suggests this variant may impact gene splicing. In the absence of RNA/functional studies, the actual effect of this sequence change is unknown.

Literature cited by the submitters: PubMed 17576681 (cited by Labcorp Genetics (formerly Invitae), Labcorp); PubMed 9536098 (cited by Labcorp Genetics (formerly Invitae), Labcorp).

NM_014000.3(VCL):c.239+6T>G

Gene: VCL (vinculin; plus strand). Cytogenetic location: 10q22.2.
Variant type: single nucleotide variant.
Coding change: c.239+6T>G on transcript NM_014000.3 (MANE Select); 6 bases into the intron after coding-DNA position 239, T replaced by G.
Molecular consequence: intron variant.
Genome position (GRCh38, 1-based): chr10:74,043,159, T>G. VCF-style: chr10-74043159-T-G. GRCh37 (hg19) VCF-style: chr10-75802917-T-G.
Other names: c.239+6T>G (NM_003373.4, NM_014000.2).
Identifiers: ClinVar variation 806509 (VCV000806509.22), dbSNP rs752335603, ClinGen allele CA5562729.